The following is an entry in ClinVar:

ClinVar aggregate classification (germline): Pathogenic/Likely pathogenic. Review status: criteria provided, multiple submitters, no conflicts (2 of 4 stars). 2 submissions from 2 submitters: Pathogenic (1); Likely pathogenic (1). Last evaluated 2023-02-01.

Conditions:
Dubin-Johnson syndrome (DJS). Also called: Hyperbilirubinemia type 2; HYPERBILIRUBINEMIA, DUBIN-JOHNSON TYPE; Jaundice, Chronic Idiopathic. Identifiers: Orphanet 234, MedGen C0022350, MONDO:0009380, OMIM 237500.

Allele frequency attached by ClinVar (database versions not stated): gnomAD exomes below 0.00001; TOPMed below 0.00001; gnomAD 0.00001.
gnomAD v4.1: 3 of 1,614,080 alleles (0.00019%); highest among the groups gnomAD compares: Non-Finnish European, 0.00025%; no homozygotes.

Submissions (2):

Labcorp Genetics (formerly Invitae), Labcorp
Classification: Pathogenic. Last evaluated: 2023-02-01. Review status: criteria provided, single submitter. Criteria: Invitae Variant Classification Sherloc (09022015). Collection method: clinical testing. Allele origin: germline.
Comment: This sequence change creates a premature translational stop signal (p.Gln1480*) in the ABCC2 gene. It is expected to result in an absent or disrupted protein product. Loss-of-function variants in ABCC2 are known to be pathogenic (PMID: 9185779, 16549534, 16952291). This variant is not present in population databases (gnomAD no frequency). This variant has not been reported in the literature in individuals affected with ABCC2-related conditions. For these reasons, this variant has been classified as Pathogenic.

Department of Pathology and Laboratory Medicine, Sinai Health System
Classification: Likely pathogenic for Dubin-Johnson syndrome. Last evaluated: 2022-11-09. Review status: criteria provided, single submitter. Criteria: ACMG Guidelines, 2015. Collection method: research. Allele origin: germline.

Literature cited by the submitters: PubMed 9185779 (cited by Labcorp Genetics (formerly Invitae), Labcorp); PubMed 16549534 (cited by Labcorp Genetics (formerly Invitae), Labcorp); PubMed 16952291 (cited by Labcorp Genetics (formerly Invitae), Labcorp).

NM_000392.5(ABCC2):c.4438C>T (p.Gln1480Ter)

Gene: ABCC2 (ATP binding cassette subfamily C member 2; plus strand). Cytogenetic location: 10q24.2.
Variant type: single nucleotide variant.
Coding change: c.4438C>T on transcript NM_000392.5 (MANE Select); coding-DNA position 4438, C replaced by T.
Protein change: p.Gln1480Ter; replaces glutamine 1480 with a stop codon.
Molecular consequence: nonsense.
Genome position (GRCh38, 1-based): chr10:99,850,726, C>T. VCF-style: chr10-99850726-C-T. GRCh37 (hg19) VCF-style: chr10-101610483-C-T.
Other names: short protein forms Q1480*.
Identifiers: ClinVar variation 2989901 (VCV002989901.4), dbSNP rs1366525701, ClinGen allele CA378130139.